The following is an entry in ClinVar:

ClinVar aggregate classification (germline): Uncertain significance. Review status: criteria provided, multiple submitters, no conflicts (2 of 4 stars). 2 submissions from 2 submitters: Uncertain significance (2). Last evaluated 2022-02-23.

Conditions:
Hyperphosphatasia with impaired intellectual development syndrome 2. Also called: Hyperphosphatasia with intellectual disability syndrome 2; GLYCOSYLPHOSPHATIDYLINOSITOL BIOSYNTHESIS DEFECT 6. Identifiers: Orphanet 247262, MedGen C3553637, MONDO:0013882, OMIM 614749.

Allele frequency attached by ClinVar (database versions not stated): TOPMed below 0.00001; gnomAD exomes below 0.00001.

Submissions (2):

GeneDx
Classification: Uncertain significance. Last evaluated: 2022-02-23. Review status: criteria provided, single submitter. Criteria: GeneDx Variant Classification Process June 2021. Collection method: clinical testing. Allele origin: germline. Affected: yes.
Comment: Not observed at significant frequency in large population cohorts (gnomAD); In silico analysis supports that this missense variant does not alter protein structure/function; Has not been previously published as pathogenic or benign to our knowledge; This variant is associated with the following publications: (PMID: 24417746)

Labcorp Genetics (formerly Invitae), Labcorp
Classification: Uncertain significance for Hyperphosphatasia with impaired intellectual development syndrome 2. Last evaluated: 2021-08-10. Review status: criteria provided, single submitter. Criteria: Invitae Variant Classification Sherloc (09022015). Collection method: clinical testing. Allele origin: germline.
Comment: This sequence change replaces alanine with threonine at codon 83 of the PIGO protein (p.Ala83Thr). The alanine residue is highly conserved and there is a small physicochemical difference between alanine and threonine. This variant is not present in population databases (ExAC no frequency). This variant has not been reported in the literature in individuals affected with PIGO-related conditions. Algorithms developed to predict the effect of missense changes on protein structure and function are either unavailable or do not agree on the potential impact of this missense change (SIFT: "Deleterious"; PolyPhen-2: "Benign"; Align-GVGD: "Class C0"). In summary, the available evidence is currently insufficient to determine the role of this variant in disease. Therefore, it has been classified as a Variant of Uncertain Significance.

NM_032634.4(PIGO):c.247G>A (p.Ala83Thr)

Gene: PIGO (phosphatidylinositol glycan anchor biosynthesis class O; minus strand). Cytogenetic location: 9p13.3.
Variant type: single nucleotide variant.
Coding change: c.247G>A on transcript NM_032634.4 (MANE Select); coding-DNA position 247, G replaced by A.
Protein change: p.Ala83Thr; replaces alanine 83 with threonine.
Molecular consequence: missense variant.
Genome position (GRCh38, 1-based): chr9:35,095,319, C>T on the plus strand (G>A on the coding strand, the complement: PIGO is on the minus strand). VCF-style: chr9-35095319-C-T. GRCh37 (hg19) VCF-style: chr9-35095316-C-T.
Other names: c.247G>A, p.Ala83Thr (NM_001201484.2, NM_152850.4); short protein forms A83T.
Identifiers: ClinVar variation 1349253 (VCV001349253.5), dbSNP rs1171298718, ClinGen allele CA373324678.